The following is an entry in ClinVar:

NM_000051.4(ATM):c.8665G>C (p.Asp2889His)

Genes: ATM (ATM serine/threonine kinase; plus strand), C11orf65 (chromosome 11 open reading frame 65; minus strand). Cytogenetic location: 11q22.3.
Variant type: single nucleotide variant.
Coding change: c.8665G>C on transcript NM_000051.4 (MANE Select); coding-DNA position 8665, G replaced by C.
Protein change: p.Asp2889His; replaces aspartic acid 2889 with histidine.
Molecular consequence: missense variant. On other transcripts: intron variant (2).
Genome position (GRCh38, 1-based): chr11:108,347,359, G>C. VCF-style: chr11-108347359-G-C. GRCh37 (hg19) VCF-style: chr11-108218086-G-C.
Other names: c.8665G>C, p.Asp2889His (NM_001351834.2); c.641-38288C>G (NM_001330368.2); c.695-12067C>G (NM_001351110.2); short protein forms D2889H.
Identifiers: ClinVar variation 141520 (VCV000141520.14), dbSNP rs587781814, ClinGen allele CA165673.

ClinVar aggregate classification (germline): Uncertain significance. Review status: criteria provided, multiple submitters, no conflicts (2 of 4 stars). 2 submissions from 2 submitters: Uncertain significance (2). Last evaluated 2024-05-20.

Conditions:
Hereditary cancer-predisposing syndrome. Also called: Neoplastic Syndromes, Hereditary; Hereditary Cancer Syndrome; Tumor predisposition; Hereditary neoplastic syndrome. Identifiers: Orphanet 140162, MedGen C0027672, MeSH D009386, MONDO:0015356.
Ataxia-telangiectasia syndrome (AT). Also called: Ataxia-telangiectasia, complementation group D; AT, COMPLEMENTATION GROUP C; Ataxia-telangiectasia; ATAXIA-TELANGIECTASIA, COMPLEMENTATION GROUP A; ATAXIA-TELANGIECTASIA, FRESNO VARIANT; Ataxia-telangiectasia, complementation group E. Identifiers: Orphanet 100, MedGen C0004135, MONDO:0008840, OMIM 208900.

Submissions (2):

Ambry Genetics
Classification: Uncertain significance for Hereditary cancer-predisposing syndrome. Last evaluated: 2024-05-20. Review status: criteria provided, single submitter. Criteria: Ambry Variant Classification Scheme 2023. Collection method: clinical testing. Allele origin: germline.
Comment: The p.D2889H variant (also known as c.8665G>C), located in coding exon 58 of the ATM gene, results from a G to C substitution at nucleotide position 8665. The aspartic acid at codon 2889 is replaced by histidine, an amino acid with similar properties. This amino acid position is highly conserved in available vertebrate species. In addition, this alteration is predicted to be deleterious by in silico analysis. Based on the available evidence, the clinical significance of this variant remains unclear.

Labcorp Genetics (formerly Invitae), Labcorp
Classification: Uncertain significance for Ataxia-telangiectasia syndrome. Last evaluated: 2020-06-30. Review status: criteria provided, single submitter. Criteria: Invitae Variant Classification Sherloc (09022015). Collection method: clinical testing. Allele origin: germline.
Comment: In summary, the available evidence is currently insufficient to determine the role of this variant in disease. Therefore, it has been classified as a Variant of Uncertain Significance. Algorithms developed to predict the effect of missense changes on protein structure and function (SIFT, PolyPhen-2, Align-GVGD) all suggest that this variant is likely to be disruptive, but these predictions have not been confirmed by published functional studies and their clinical significance is uncertain. This variant has not been reported in the literature in individuals with ATM-related disease. ClinVar contains an entry for this variant (Variation ID: 141520). This variant is not present in population databases (ExAC no frequency). This sequence change replaces aspartic acid with histidine at codon 2889 of the ATM protein (p.Asp2889His). The aspartic acid residue is highly conserved and there is a moderate physicochemical difference between aspartic acid and histidine.